The following is an entry in ClinVar:

ClinVar aggregate classification (germline): Uncertain significance (1 of 4 stars; one submission).

Conditions:
Malignant hyperthermia, susceptibility to, 1 (MHS1). Also called: Anesthesia related hyperthermia; Malignant hyperpyrexia; Fulminating hyperpyrexia; Pharmacogenic myopathy; RYR1-Related Malignant Hyperthermia Susceptibility; Malignant hyperthermia suceptibility 1. Identifiers: Orphanet 423, MedGen C2930980, MONDO:0007783, OMIM 145600.

Submission:

All of Us Research Program, National Institutes of Health
Classification: Uncertain significance for Malignant hyperthermia, susceptibility to, 1. Last evaluated: 2023-11-20. Review status: criteria provided, single submitter. Criteria: ACMG Guidelines, 2015. Collection method: clinical testing. Allele origin: germline. Inheritance: Autosomal dominant inheritance. Observed: 1 variant allele, 1 heterozygote.
Comment: This missense variant replaces aspartic acid with histidine at codon 2017 of the RYR1 protein. Computational prediction suggests that this variant may not impact protein structure and function (internally defined REVEL score threshold <= 0.5, PMID: 27666373). To our knowledge, functional studies have not been reported for this variant. This variant has not been reported in individuals affected with RYR1-related disorders in the literature. This variant has not been identified in the general population by the Genome Aggregation Database (gnomAD). The available evidence is insufficient to determine the role of this variant in disease conclusively. Therefore, this variant is classified as a Variant of Uncertain Significance.

This study involves interpretation of variants in research participants for the purpose of population health screening. Participant phenotype was not available at the time of variant classification. Additional details can be found in publication PMID: 35346344, PMCID: PMC8962531

NM_000540.3(RYR1):c.6049G>C (p.Asp2017His)

Gene: RYR1 (ryanodine receptor 1; plus strand). Cytogenetic location: 19q13.2.
Variant type: single nucleotide variant.
Coding change: c.6049G>C on transcript NM_000540.3 (MANE Select); coding-DNA position 6049, G replaced by C.
Protein change: p.Asp2017His; replaces aspartic acid 2017 with histidine.
Molecular consequence: missense variant.
Genome position (GRCh38, 1-based): chr19:38,490,654, G>C. VCF-style: chr19-38490654-G-C. GRCh37 (hg19) VCF-style: chr19-38981294-G-C.
Other names: c.6049G>C, p.Asp2017His (NM_001042723.2); short protein forms D2017H.
Identifiers: ClinVar variation 3074630 (VCV003074630.1), dbSNP rs780472878, ClinGen allele CA405660775.